The following is an entry in ClinVar:

ClinVar aggregate classification (germline): Likely benign. Review status: criteria provided, multiple submitters, no conflicts (2 of 4 stars). 3 submissions from 3 submitters: Likely benign (2). 1 of the submissions does not count toward it. Last evaluated 2025-08-17.

Conditions:
CEBPA-related disorder. Also called: CEBPA-related condition.
Inborn genetic diseases. Identifiers: MedGen C0950123, MeSH D030342.
Acute myeloid leukemia (AML). Also called: Acute myeloid leukemia, adult; AML adult; Acute non-lymphocytic leukemia; Acute granulocytic leukemia; Leukemia, acute myelogenous, somatic; Leukemia, acute myeloid, somatic. Identifiers: Orphanet 519, MedGen C0023467, MeSH D015470, MONDO:0018874, OMIM 601626, HP:0004808. Disease mechanism: Constitutively activated FLT3.

Allele frequency attached by ClinVar (database versions not stated): gnomAD 0.00002; TOPMed 0.00002.

Submissions (3):

Labcorp Genetics (formerly Invitae), Labcorp
Classification: Likely benign for Acute myeloid leukemia. Last evaluated: 2025-08-17. Review status: criteria provided, single submitter. Criteria: Invitae Variant Classification Sherloc (09022015). Collection method: clinical testing. Allele origin: germline.

Ambry Genetics
Classification: Likely benign for Inborn genetic diseases. Last evaluated: 2024-11-17. Review status: criteria provided, single submitter. Criteria: Ambry Variant Classification Scheme 2023. Collection method: clinical testing. Allele origin: germline.

PreventionGenetics, part of Exact Sciences
Classification: Likely benign for CEBPA-related condition. Last evaluated: 2022-04-18. Review status: no assertion criteria provided. Collection method: clinical testing. Allele origin: germline. Not counted in ClinVar's aggregate classification.
Comment: This variant is classified as likely benign based on ACMG/AMP sequence variant interpretation guidelines (Richards et al. 2015 PMID: 25741868, with internal and published modifications).

NM_004364.5(CEBPA):c.576G>A (p.Pro192=)

Gene: CEBPA (CCAAT enhancer binding protein alpha; minus strand). Cytogenetic location: 19q13.11.
Variant type: single nucleotide variant.
Coding change: c.576G>A on transcript NM_004364.5 (MANE Select); coding-DNA position 576, G replaced by A.
Protein change: p.Pro192=; no amino-acid change (proline 192 retained).
Molecular consequence: synonymous variant.
Genome position (GRCh38, 1-based): chr19:33,301,839, C>T on the plus strand (G>A on the coding strand, the complement: CEBPA is on the minus strand). VCF-style: chr19-33301839-C-T. GRCh37 (hg19) VCF-style: chr19-33792745-C-T.
Other names: c.219G>A, p.Pro73= (NM_001285829.2); c.681G>A, p.Pro227= (NM_001287424.2); c.534G>A, p.Pro178= (NM_001287435.2); c.576G>A (NM_004364.3).
Identifiers: ClinVar variation 239925 (VCV000239925.15), dbSNP rs878854703, ClinGen allele CA10583799.